The following is an entry in ClinVar:

ClinVar aggregate classification (germline): Uncertain significance (1 of 4 stars; one submission).

Conditions:
Hereditary cancer-predisposing syndrome. Also called: Neoplastic Syndromes, Hereditary; Tumor predisposition; Hereditary neoplastic syndrome; Hereditary Cancer Syndrome. Identifiers: Orphanet 140162, MedGen C0027672, MeSH D009386, MONDO:0015356.

Submission:

Ambry Genetics
Classification: Uncertain significance for Hereditary cancer-predisposing syndrome. Last evaluated: 2022-11-26. Review status: criteria provided, single submitter. Criteria: Ambry Variant Classification Scheme 2023. Collection method: clinical testing. Allele origin: germline.
Comment: The p.E1203A variant (also known as c.3608A>C), located in coding exon 19 of the BRIP1 gene, results from an A to C substitution at nucleotide position 3608. The glutamic acid at codon 1203 is replaced by alanine, an amino acid with dissimilar properties. This amino acid position is conserved. In addition, this alteration is predicted to be tolerated by in silico analysis. Since supporting evidence is limited at this time, the clinical significance of this alteration remains unclear.

NM_032043.3(BRIP1):c.3608A>C (p.Glu1203Ala)

Gene: BRIP1 (BRCA1 interacting DNA helicase 1; minus strand). Cytogenetic location: 17q23.2.
Variant type: single nucleotide variant.
Coding change: c.3608A>C on transcript NM_032043.3 (MANE Select); coding-DNA position 3608, A replaced by C.
Protein change: p.Glu1203Ala; replaces glutamic acid 1203 with alanine.
Molecular consequence: missense variant.
Genome position (GRCh38, 1-based): chr17:61,683,438, T>G on the plus strand (A>C on the coding strand, the complement: BRIP1 is on the minus strand). VCF-style: chr17-61683438-T-G. GRCh37 (hg19) VCF-style: chr17-59760799-T-G.
Other names: short protein forms E1203A.
Identifiers: ClinVar variation 2449920 (VCV002449920.2), dbSNP rs1403310555, ClinGen allele CA400478058.